The following is an entry in ClinVar:

NM_001197104.2(KMT2A):c.6793A>C (p.Thr2265Pro)

Gene: KMT2A (lysine methyltransferase 2A; plus strand). Cytogenetic location: 11q23.3.
Variant type: single nucleotide variant.
Coding change: c.6793A>C on transcript NM_001197104.2 (MANE Select); coding-DNA position 6793, A replaced by C.
Protein change: p.Thr2265Pro; replaces threonine 2265 with proline.
Molecular consequence: missense variant.
Genome position (GRCh38, 1-based): chr11:118,502,685, A>C. VCF-style: chr11-118502685-A-C. GRCh37 (hg19) VCF-style: chr11-118373400-A-C.
Other names: c.6883A>C, p.Thr2295Pro (NM_001412597.1); c.6784A>C, p.Thr2262Pro (NM_005933.4); short protein forms T2262P, T2265P, T2295P.
Identifiers: ClinVar variation 2289986 (VCV002289986.8), dbSNP rs782707495, ClinGen allele CA6304311.

ClinVar aggregate classification (germline): Conflicting classifications of pathogenicity. Review status: criteria provided, conflicting classifications (1 of 4 stars). 4 submissions from 4 submitters: Uncertain significance (2); Likely benign (1). 1 of the submissions does not count toward it. Last evaluated 2025-03-24.

Conditions:
KMT2A-related disorder. Also called: KMT2A-related condition.
Inborn genetic diseases. Identifiers: MedGen C0950123, MeSH D030342.

Allele frequency attached by ClinVar (database versions not stated): ExAC 0.00002; gnomAD 0.00002; TOPMed 0.00002; gnomAD exomes 0.00008.
gnomAD v4.1: 118 of 1,613,954 alleles (0.0073%); highest among the groups gnomAD compares: Non-Finnish European, 0.0097%; no homozygotes.

Submissions (4):

Women's Health and Genetics/Laboratory Corporation of America, LabCorp
Classification: Uncertain significance. Last evaluated: 2025-03-24. Review status: criteria provided, single submitter. Criteria: LabCorp Variant Classification Summary - May 2015. Collection method: clinical testing. Allele origin: germline.
Comment: Variant summary: KMT2A c.6793A>C (p.Thr2265Pro) results in a non-conservative amino acid change in the encoded protein sequence. Four of five in-silico tools predict a benign effect of the variant on protein function. The variant allele was found at a frequency of 1.6e-05 in 250940 control chromosomes. The available data on variant occurrences in the general population are insufficient to allow any conclusion about variant significance. To our knowledge, no occurrence of c.6793A>C in individuals affected with Wiedemann-Steiner Syndrome and no experimental evidence demonstrating its impact on protein function have been reported. ClinVar contains an entry for this variant (Variation ID: 2289986). Based on the evidence outlined above, the variant was classified as uncertain significance.

Labcorp Genetics (formerly Invitae), Labcorp
Classification: Uncertain significance. Last evaluated: 2025-01-27. Review status: criteria provided, single submitter. Criteria: Invitae Variant Classification Sherloc (09022015). Collection method: clinical testing. Allele origin: germline.
Comment: This sequence change replaces threonine, which is neutral and polar, with proline, which is neutral and non-polar, at codon 2265 of the KMT2A protein (p.Thr2265Pro). This variant is present in population databases (rs782707495, gnomAD 0.005%). This variant has not been reported in the literature in individuals affected with KMT2A-related conditions. ClinVar contains an entry for this variant (Variation ID: 2289986). Invitae Evidence Modeling of protein sequence and biophysical properties (such as structural, functional, and spatial information, amino acid conservation, physicochemical variation, residue mobility, and thermodynamic stability) indicates that this missense variant is not expected to disrupt KMT2A protein function with a negative predictive value of 95%. In summary, the available evidence is currently insufficient to determine the role of this variant in disease. Therefore, it has been classified as a Variant of Uncertain Significance.

Ambry Genetics
Classification: Likely benign for Inborn genetic diseases. Last evaluated: 2022-05-16. Review status: criteria provided, single submitter. Criteria: Ambry Variant Classification Scheme 2023. Collection method: clinical testing. Allele origin: germline.

PreventionGenetics, part of Exact Sciences
Classification: Likely benign for KMT2A-related condition. Last evaluated: 2023-09-06. Review status: no assertion criteria provided. Collection method: clinical testing. Allele origin: germline. Not counted in ClinVar's aggregate classification.
Comment: This variant is classified as likely benign based on ACMG/AMP sequence variant interpretation guidelines (Richards et al. 2015 PMID: 25741868, with internal and published modifications).